The following is an entry in ClinVar:

ClinVar aggregate classification (germline): Benign/Likely benign. Review status: criteria provided, multiple submitters, no conflicts (2 of 4 stars). 3 submissions from 3 submitters: Benign (1); Likely benign (2). Last evaluated 2025-03-25.

Conditions:
CRX-related disorder. Also called: CRX-related condition.
Retinal dystrophy. Also called: Inherited retinal dystrophy. Identifiers: Orphanet 71862, MedGen C0854723, MeSH D058499, MONDO:0019118, HP:0000556.
Cone-rod dystrophy 2 (CORD2). Also called: CONE-ROD RETINAL DYSTROPHY; Cone-rod retinal dystrophy 2. Identifiers: Orphanet 1872, MedGen C3489532, MONDO:0007362, OMIM 120970.
Leber congenital amaurosis 7 (LCA7). Identifiers: Orphanet 65, MedGen C3151192, MONDO:0013449, OMIM 613829.

Allele frequency attached by ClinVar (database versions not stated): TOPMed 0.00001; gnomAD exomes 0.00002; gnomAD 0.00003; ExAC 0.00006; 1000 Genomes Project 30x 0.00016; 1000 Genomes Project 0.00020.
gnomAD v4.1: 33 of 1,614,206 alleles (0.002%); highest among the groups gnomAD compares: East Asian, 0.074%; no homozygotes.

Submissions (3):

PreventionGenetics, part of Exact Sciences
Classification: Likely benign for CRX-related condition. Last evaluated: 2025-03-25. Review status: criteria provided, single submitter. Criteria: ACMG Guidelines, 2015. Collection method: clinical testing. Allele origin: germline.
Comment: This variant is classified as likely benign based on ACMG/AMP sequence variant interpretation guidelines (Richards et al. 2015 PMID: 25741868, with internal and published modifications).

Labcorp Genetics (formerly Invitae), Labcorp
Classification: Likely benign for Cone-rod dystrophy 2; Leber congenital amaurosis 7. Last evaluated: 2023-10-04. Review status: criteria provided, single submitter. Criteria: Invitae Variant Classification Sherloc (09022015). Collection method: clinical testing. Allele origin: germline.

Dept Of Ophthalmology, Nagoya University
Classification: Benign for Retinal dystrophy. Last evaluated: 2023-10-01. Review status: criteria provided, single submitter. Criteria: Submitter's publication. Collection method: research. Allele origin: germline. Affected: yes.

NM_000554.6(CRX):c.213G>A (p.Glu71=)

Gene: CRX (cone-rod homeobox; plus strand). Cytogenetic location: 19q13.33.
Variant type: single nucleotide variant.
Coding change: c.213G>A on transcript NM_000554.6 (MANE Select); coding-DNA position 213, G replaced by A.
Protein change: p.Glu71=; no amino-acid change (glutamic acid 71 retained).
Molecular consequence: synonymous variant.
Genome position (GRCh38, 1-based): chr19:47,836,355, G>A. VCF-style: chr19-47836355-G-A. GRCh37 (hg19) VCF-style: chr19-48339612-G-A.
Other names: c.213G>A (NM_000554.5).
Identifiers: ClinVar variation 2197799 (VCV002197799.6), dbSNP rs185420673, ClinGen allele CA9544421.
Genomic context (GRCh38, chr19:47,836,355, plus strand): 5'-GGAGGAGCTGGAGGCACTGTTTGCCAAGACCCAGTACCCAGACGTCTATGCCCGTGAGGA[G>A]GTGGCTCTGAAGATCAATCTGCCTGAGTCCAGGGTTCAGGTGGGGTGGTGGGTCCCTGGA-3'
Protein context (NP_000545.1, residues 61-81): TQYPDVYARE[Glu71=]VALKINLPES